The following is an entry in ClinVar:

NM_181712.5(KANK4):c.2314C>T (p.Leu772Phe)

Gene: KANK4 (KN motif and ankyrin repeat domains 4; minus strand). Cytogenetic location: 1p31.3.
Variant type: single nucleotide variant.
Coding change: c.2314C>T on transcript NM_181712.5 (MANE Select); coding-DNA position 2314, C replaced by T.
Protein change: p.Leu772Phe; replaces leucine 772 with phenylalanine.
Molecular consequence: missense variant.
Genome position (GRCh38, 1-based): chr1:62,266,737, G>A on the plus strand (C>T on the coding strand, the complement: KANK4 is on the minus strand). VCF-style: chr1-62266737-G-A. GRCh37 (hg19) VCF-style: chr1-62732409-G-A.
Other names: c.430C>T, p.Leu144Phe (NM_001320269.2); short protein forms L144F, L772F.
Identifiers: ClinVar variation 3031211 (VCV003031211.2), dbSNP rs188072572, ClinGen allele CA884151.

ClinVar aggregate classification (germline): Likely benign (0 of 4 stars; one submission).

Conditions:
KANK4-related disorder. Also called: KANK4-related condition.

Allele frequency attached by ClinVar (database versions not stated): gnomAD exomes 0.00005; gnomAD 0.00009; TOPMed 0.00010; 1000 Genomes Project 30x 0.00016; 1000 Genomes Project 0.00020; ExAC 0.00020.
gnomAD v4.1: 83 of 1,598,640 alleles (0.0052%); highest among the groups gnomAD compares: East Asian, 0.18%; no homozygotes.

Submission:

PreventionGenetics, part of Exact Sciences
Classification: Likely benign for KANK4-related condition. Last evaluated: 2022-04-15. Review status: no assertion criteria provided. Collection method: clinical testing. Allele origin: germline.
Comment: This variant is classified as likely benign based on ACMG/AMP sequence variant interpretation guidelines (Richards et al. 2015 PMID: 25741868, with internal and published modifications).